The following is an entry in ClinVar:

NM_000257.4(MYH7):c.1571T>A (p.Ile524Asn)

Gene: MYH7 (myosin heavy chain 7; minus strand). Cytogenetic location: 14q11.2.
Variant type: single nucleotide variant.
Coding change: c.1571T>A on transcript NM_000257.4 (MANE Select); coding-DNA position 1571, T replaced by A.
Protein change: p.Ile524Asn; replaces isoleucine 524 with asparagine.
Molecular consequence: missense variant.
Genome position (GRCh38, 1-based): chr14:23,428,507, A>T on the plus strand (T>A on the coding strand, the complement: MYH7 is on the minus strand). VCF-style: chr14-23428507-A-T. GRCh37 (hg19) VCF-style: chr14-23897716-A-T.
Other names: c.1571T>A, p.Ile524Asn (NM_001407004.1); short protein forms I524N.
Identifiers: ClinVar variation 2580377 (VCV002580377.1), dbSNP rs730880929, ClinGen allele CA389050300.

ClinVar aggregate classification (germline): Uncertain significance (1 of 4 stars; one submission).

Submission:

GeneDx
Classification: Uncertain significance. Last evaluated: 2023-03-19. Review status: criteria provided, single submitter. Criteria: GeneDx Variant Classification Process June 2021. Collection method: clinical testing. Allele origin: germline. Affected: yes.
Comment: Not observed at significant frequency in large population cohorts (gnomAD); In silico analysis supports that this missense variant has a deleterious effect on protein structure/function; Has not been previously published as pathogenic or benign to our knowledge; This variant is associated with the following publications: (PMID: 27532257, 29300372)